The following is an entry in ClinVar:

NM_000213.5(ITGB4):c.2327C>T (p.Thr776Met)

Gene: ITGB4 (integrin subunit beta 4; plus strand). Cytogenetic location: 17q25.1.
Variant type: single nucleotide variant.
Coding change: c.2327C>T on transcript NM_000213.5 (MANE Select); coding-DNA position 2327, C replaced by T.
Protein change: p.Thr776Met; replaces threonine 776 with methionine.
Molecular consequence: missense variant.
Genome position (GRCh38, 1-based): chr17:75,739,952, C>T. VCF-style: chr17-75739952-C-T. GRCh37 (hg19) VCF-style: chr17-73736033-C-T.
Other names: c.2327C>T, p.Thr776Met (NM_001005619.2, NM_001005731.3, NM_001321123.2); short protein forms T776M.
Identifiers: ClinVar variation 1936660 (VCV001936660.4), dbSNP rs746952105, ClinGen allele CA8769355.

ClinVar aggregate classification (germline): Uncertain significance (1 of 4 stars; one submission).

Allele frequency attached by ClinVar (database versions not stated): TOPMed 0.00002; ExAC 0.00003; gnomAD 0.00003.
gnomAD v4.1: 20 of 1,613,170 alleles (0.0012%); highest among the groups gnomAD compares: Middle Eastern, 0.016%; no homozygotes.

Submission:

Labcorp Genetics (formerly Invitae), Labcorp
Classification: Uncertain significance. Last evaluated: 2024-06-03. Review status: criteria provided, single submitter. Criteria: Invitae Variant Classification Sherloc (09022015). Collection method: clinical testing. Allele origin: germline.
Comment: This sequence change replaces threonine, which is neutral and polar, with methionine, which is neutral and non-polar, at codon 776 of the ITGB4 protein (p.Thr776Met). This variant is present in population databases (rs746952105, gnomAD 0.02%). This variant has not been reported in the literature in individuals affected with ITGB4-related conditions. ClinVar contains an entry for this variant (Variation ID: 1936660). Advanced modeling of protein sequence and biophysical properties (such as structural, functional, and spatial information, amino acid conservation, physicochemical variation, residue mobility, and thermodynamic stability) performed at Invitae indicates that this missense variant is expected to disrupt ITGB4 protein function with a positive predictive value of 80%. In summary, the available evidence is currently insufficient to determine the role of this variant in disease. Therefore, it has been classified as a Variant of Uncertain Significance.